The following is an entry in ClinVar:

NM_024675.4(PALB2):c.1033_1034insCTTT (p.Leu345fs)

Gene: PALB2 (partner and localizer of BRCA2; minus strand). Cytogenetic location: 16p12.2.
Variant type: Insertion.
Coding change: c.1033_1034insCTTT on transcript NM_024675.4 (MANE Select); coding-DNA positions 1033 to 1034, CTTT inserted.
Protein change: p.Leu345fs; shifts the reading frame from leucine 345.
Molecular consequence: frameshift variant. On other transcripts: intron variant (3).
Genome position: GRCh38 VCF-style: chr16-23635512-A-AAAAG. GRCh37 (hg19) VCF-style: chr16-23646833-A-AAAAG.
Other names: c.1033_1034insCTTT (NM_024675.3); c.1033_1034insCTTT, p.Leu345fs (NM_001407298.1, NM_001407299.1, NM_001407300.1 and 3 more transcripts); c.148_149insCTTT, p.Leu50fs (NM_001407304.1, NM_001407305.1, NM_001407306.1 and 5 more transcripts); c.48+5597_48+5598insTCTT (NM_001407314.1); c.-104-5044_-104-5043insTCTT (NM_001407313.1, NM_001407312.1); c.973_974insCTTT, p.Leu325fs (NM_001407296.1); short protein forms L325fs, L345fs, L50fs.
Identifiers: ClinVar variation 4279053 (VCV004279053.1).

ClinVar aggregate classification (germline): Likely pathogenic (1 of 4 stars; one submission).

Conditions:
Breast-ovarian cancer, familial, susceptibility to, 1 (BROVCA1). Also called: BRCA1 Hereditary Breast and Ovarian Cancer; OVARIAN CANCER, SUSCEPTIBILITY TO. Identifiers: Orphanet 145, MedGen C2676676, MONDO:0011450, OMIM 604370. Disease mechanism: loss of function.

Submission:

Institute of Immunology and Genetics Kaiserslautern
Classification: Likely pathogenic for Breast-ovarian cancer, familial, susceptibility to, 1. Last evaluated: 2025-07-29. Review status: criteria provided, single submitter. Criteria: ACMG Guidelines, 2015. Collection method: clinical testing. Allele origin: germline. Affected: yes.
Comment: ACMG Criteria: PVS1, PM2.